The following is an entry in ClinVar:

NM_006734.4(HIVEP2):c.4659G>A (p.Gly1553=)

Gene: HIVEP2 (HIVEP zinc finger 2; minus strand). Cytogenetic location: 6q24.2.
Variant type: single nucleotide variant.
Coding change: c.4659G>A on transcript NM_006734.4 (MANE Select); coding-DNA position 4659, G replaced by A.
Protein change: p.Gly1553=; no amino-acid change (glycine 1553 retained).
Molecular consequence: synonymous variant.
Genome position (GRCh38, 1-based): chr6:142,770,080, C>T on the plus strand (G>A on the coding strand, the complement: HIVEP2 is on the minus strand). VCF-style: chr6-142770080-C-T. GRCh37 (hg19) VCF-style: chr6-143091217-C-T.
Identifiers: ClinVar variation 3025156 (VCV003025156.22), dbSNP rs372157188, ClinGen allele CA4028029.
Genomic context (GRCh38, chr6:142,770,080, plus strand): 5'-CTCATCGATATCTAATTCATCTGAAGATTCTTTGCTTTCAGAAGGCCCACTGGACTTCTG[C>T]CCCGGAAGTGGTGCCCGGGAACCGGAAAGCATCTCCTTGCTGGGCAGGAATGGCTCCCTG-3'
Protein context (NP_006725.3, residues 1543-1563): MLSGSRAPLP[Gly1553=]QKSSGPSESK

ClinVar aggregate classification (germline): Likely benign (1 of 4 stars; one submission).

Allele frequency attached by ClinVar (database versions not stated): gnomAD 0.00001; ExAC 0.00002; TOPMed 0.00002; ESP Exome Variant Server 0.00008.
gnomAD v4.1: 29 of 1,614,098 alleles (0.0018%); highest among the groups gnomAD compares: Non-Finnish European, 0.0023%; no homozygotes.

Submission:

CeGaT Center for Human Genetics Tuebingen
Classification: Likely benign. Last evaluated: 2024-01-01. Review status: criteria provided, single submitter. Criteria: CeGaT Center For Human Genetics Tuebingen Variant Classification Criteria Version 2. Collection method: clinical testing. Allele origin: germline. Affected: yes. Observed: 1 variant allele.
Comment: HIVEP2: BP4, BP7